The following is an entry in ClinVar:

NM_000075.4(CDK4):c.527T>C (p.Val176Ala)

Gene: CDK4 (cyclin dependent kinase 4; minus strand). Cytogenetic location: 12q14.1.
Variant type: single nucleotide variant.
Coding change: c.527T>C on transcript NM_000075.4 (MANE Select); coding-DNA position 527, T replaced by C.
Protein change: p.Val176Ala; replaces valine 176 with alanine.
Molecular consequence: missense variant.
Genome position (GRCh38, 1-based): chr12:57,750,761, A>G on the plus strand (T>C on the coding strand, the complement: CDK4 is on the minus strand). VCF-style: chr12-57750761-A-G. GRCh37 (hg19) VCF-style: chr12-58144544-A-G.
Other names: short protein forms V176A.
Identifiers: ClinVar variation 1357735 (VCV001357735.8), dbSNP rs2140385892, ClinGen allele CA385546012.
Genomic context (GRCh38, chr12:57,750,761, plus strand): 5'-TCCACAGGTGTTGCATATGTGGACTGCAGAAGAACTTCGGGAGCTCGGTACCAGAGTGTA[A>G]CAACCTAAAGGGAATAGGAAGAATGGATGGGGACCCCATGGGTTACCATGAAACACAACT-3'
Protein context (NP_000066.1, residues 166-186): SYQMALTPVV[Val176Ala]TLWYRAPEVL

ClinVar aggregate classification (germline): Uncertain significance (1 of 4 stars; one submission).

Conditions:
Familial melanoma. Also called: Hereditary melanoma; Hereditary cutaneous melanoma. Identifiers: Orphanet 618, MedGen C1512419, MONDO:0018961.

Submission:

Labcorp Genetics (formerly Invitae), Labcorp
Classification: Uncertain significance for Familial melanoma. Last evaluated: 2024-03-16. Review status: criteria provided, single submitter. Criteria: Invitae Variant Classification Sherloc (09022015). Collection method: clinical testing. Allele origin: germline.
Comment: This sequence change replaces valine, which is neutral and non-polar, with alanine, which is neutral and non-polar, at codon 176 of the CDK4 protein (p.Val176Ala). This variant is not present in population databases (gnomAD no frequency). This variant has not been reported in the literature in individuals affected with CDK4-related conditions. ClinVar contains an entry for this variant (Variation ID: 1357735). Advanced modeling of protein sequence and biophysical properties (such as structural, functional, and spatial information, amino acid conservation, physicochemical variation, residue mobility, and thermodynamic stability) performed at Invitae indicates that this missense variant is expected to disrupt CDK4 protein function with a positive predictive value of 95%. In summary, the available evidence is currently insufficient to determine the role of this variant in disease. Therefore, it has been classified as a Variant of Uncertain Significance.